The following is an entry in ClinVar:

ClinVar aggregate classification (germline): Uncertain significance. Review status: criteria provided, multiple submitters, no conflicts (2 of 4 stars). 5 submissions from 5 submitters: Uncertain significance (5). Last evaluated 2025-12-14.

Conditions:
Familial thoracic aortic aneurysm and aortic dissection (TAAD). Also called: Thoracic aortic aneurysms and dissections. Identifiers: Orphanet 91387, MedGen C4707243, MONDO:0019625.
Aneurysm-osteoarthritis syndrome. Also called: LOEYS-DIETZ SYNDROME WITH OSTEOARTHRITIS; SMAD3-Related Loeys-Dietz Syndrome; Loeys-Dietz syndrome, type 1C; ANEURYSMS-OSTEOARTHRITIS SYNDROME. Identifiers: Orphanet 284984, MedGen C3151087, MONDO:0013426, OMIM 613795.

Allele frequency attached by ClinVar (database versions not stated): gnomAD 0.00001 and 0.00002; gnomAD exomes 0.00001 and 0.00002; TOPMed 0.00001; ExAC 0.00002.
gnomAD v4.1: 12 of 1,613,556 alleles (0.00074%); highest among the groups gnomAD compares: Admixed American, 0.0067%; no homozygotes.

Submissions (5):

Labcorp Genetics (formerly Invitae), Labcorp
Classification: Uncertain significance for Familial thoracic aortic aneurysm and aortic dissection. Last evaluated: 2025-12-14. Review status: criteria provided, single submitter. Criteria: Invitae Variant Classification Sherloc (09022015). Collection method: clinical testing. Allele origin: germline.
Comment: This sequence change falls in intron 2 of the SMAD3 gene. It does not directly change the encoded amino acid sequence of the SMAD3 protein. It affects a nucleotide within the consensus splice site. This variant is present in population databases (rs766829176, gnomAD 0.009%). This variant has been observed in individuals with SMAD3-related conditions (internal data). ClinVar contains an entry for this variant (Variation ID: 924069). Variants that disrupt the consensus splice site are a relatively common cause of aberrant splicing (PMID: 17576681, 9536098). Algorithms developed to predict the effect of sequence changes on RNA splicing suggest that this variant is not likely to affect RNA splicing. In summary, the available evidence is currently insufficient to determine the role of this variant in disease. Therefore, it has been classified as a Variant of Uncertain Significance.

All of Us Research Program, National Institutes of Health
Classification: Uncertain significance for Aneurysm-osteoarthritis syndrome. Last evaluated: 2024-08-06. Review status: criteria provided, single submitter. Criteria: ACMG Guidelines, 2015. Collection method: clinical testing. Allele origin: germline. Inheritance: Autosomal dominant inheritance. Observed: 6 variant alleles, 6 heterozygotes.
Comment: This variant causes a G>T nucleotide substitution at the +5 position of intron 2 of the SMAD3 gene. Splice site prediction tools predict that this variant may have a significant impact on RNA splicing. To our knowledge, functional studies have not been performed for this variant. This variant has been reported in individual(s) affected with SMAD3-related conditions. It has also been reported to segregate with disease in related individuals (ClinVar SCV001555959.3). This variant has been identified in 4/251270 chromosomes in the general population by the Genome Aggregation Database (gnomAD). The available evidence is insufficient to determine the role of this variant in disease conclusively. Therefore, this variant is classified as a Variant of Uncertain Significance.

This study involves interpretation of variants in research participants for the purpose of population health screening. Participant phenotype was not available at the time of variant classification. Additional details can be found in publication PMID: 35346344, PMCID: PMC8962531

Color Diagnostics, LLC DBA Color Health
Classification: Uncertain significance for Familial thoracic aortic aneurysm and aortic dissection. Last evaluated: 2024-07-16. Review status: criteria provided, single submitter. Criteria: ACMG Guidelines, 2015. Collection method: clinical testing. Allele origin: germline.
Comment: This variant causes a G>T nucleotide substitution at the +5 position of intron 2 of the SMAD3 gene. To our knowledge, functional studies have not been reported for this variant. This variant has been reported in individual(s) affected with SMAD3-related conditions and has been reported to segregate with disease in related individuals (ClinVar SCV001555959.3). This variant has been identified in 4/251270 chromosomes in the general population by the Genome Aggregation Database (gnomAD). The available evidence is insufficient to determine the role of this variant in disease conclusively. Therefore, this variant is classified as a Variant of Uncertain Significance.

Women's Health and Genetics/Laboratory Corporation of America, LabCorp
Classification: Uncertain significance. Last evaluated: 2023-07-21. Review status: criteria provided, single submitter. Criteria: LabCorp Variant Classification Summary - May 2015. Collection method: clinical testing. Allele origin: germline.

Ambry Genetics
Classification: Uncertain significance for Familial thoracic aortic aneurysm and aortic dissection. Last evaluated: 2019-01-30. Review status: criteria provided, single submitter. Criteria: Ambry Variant Classification Scheme 2023. Collection method: clinical testing. Allele origin: germline.
Comment: The c.400+5G>T intronic variant results from a G to T substitution 5 nucleotides after coding exon 2 in the SMAD3 gene. This nucleotide position is well conserved in available vertebrate species. Using the BDGP and ESEfinder splice site prediction tools, this alteration is predicted to weaken the efficiency of the native splice donor site; however, direct evidence is unavailable. Since supporting evidence is limited at this time, the clinical significance of this alteration remains unclear.

Literature cited by the submitters: PubMed 17576681 (cited by Labcorp Genetics (formerly Invitae), Labcorp); PubMed 9536098 (cited by Labcorp Genetics (formerly Invitae), Labcorp).

NM_005902.4(SMAD3):c.400+5G>T

Gene: SMAD3 (SMAD family member 3; plus strand). Cytogenetic location: 15q22.33.
Variant type: single nucleotide variant.
Coding change: c.400+5G>T on transcript NM_005902.4 (MANE Select); 5 bases into the intron after coding-DNA position 400, G replaced by T.
Molecular consequence: intron variant.
Genome position (GRCh38, 1-based): chr15:67,165,093, G>T. VCF-style: chr15-67165093-G-T. GRCh37 (hg19) VCF-style: chr15-67457431-G-T.
Other names: c.85+5G>T (NM_001145102.2); c.268+5G>T (NM_001145103.2).
Identifiers: ClinVar variation 924069 (VCV000924069.16), dbSNP rs766829176, ClinGen allele CA062181.